The following is an entry in ClinVar:

ClinVar aggregate classification (germline): Likely benign (1 of 4 stars; one submission).

Conditions:
SUMF2-related disorder. Also called: SUMF2-related condition.

gnomAD v4.1: 29 of 1,552,652 alleles (0.0019%); highest among the groups gnomAD compares: Admixed American, 0.039%; no homozygotes.

Submission:

PreventionGenetics, part of Exact Sciences
Classification: Likely benign for SUMF2-related condition. Last evaluated: 2026-02-04. Review status: criteria provided, single submitter. Criteria: ACMG Guidelines, 2015. Collection method: clinical testing. Allele origin: germline.
Comment: This variant is classified as likely benign based on ACMG/AMP sequence variant interpretation guidelines (Richards et al. 2015 PMID: 25741868, with internal and published modifications).

NM_015411.4(SUMF2):c.*196G>T

Gene: SUMF2 (sulfatase modifying factor 2; plus strand). Cytogenetic location: 7p11.2.
Variant type: single nucleotide variant.
Coding change: c.*196G>T on transcript NM_015411.4 (MANE Select); 196 bases downstream of the stop codon, G replaced by T.
Molecular consequence: 3 prime UTR variant. On other transcripts: synonymous variant (2).
Genome position (GRCh38, 1-based): chr7:56,079,808, G>T. VCF-style: chr7-56079808-G-T. GRCh37 (hg19) VCF-style: chr7-56147501-G-T.
Other names: c.*196G>T (NM_001042468.3, NM_001042469.3, NM_001042470.3 and 1 more transcripts); c.957G>T, p.Gly319= (NM_001130069.4); c.*161G>T (NM_001366647.2, NM_001366648.2); c.453G>T, p.Gly151= (NM_001366649.2).
Identifiers: ClinVar variation 4990219 (VCV004990219.1).